The following is an entry in ClinVar:

NM_001036.6(RYR3):c.6617A>C (p.Asn2206Thr)

Gene: RYR3 (ryanodine receptor 3; plus strand). Cytogenetic location: 15q14.
Variant type: single nucleotide variant.
Coding change: c.6617A>C on transcript NM_001036.6 (MANE Select); coding-DNA position 6617, A replaced by C.
Protein change: p.Asn2206Thr; replaces asparagine 2206 with threonine.
Molecular consequence: missense variant.
Genome position (GRCh38, 1-based): chr15:33,707,052, A>C. VCF-style: chr15-33707052-A-C. GRCh37 (hg19) VCF-style: chr15-33999253-A-C.
Other names: c.6617A>C, p.Asn2206Thr (NM_001243996.4); short protein forms N2206T.
Identifiers: ClinVar variation 461936 (VCV000461936.31), dbSNP rs181264765, ClinGen allele CA7459613.

ClinVar aggregate classification (germline): Benign/Likely benign. Review status: criteria provided, multiple submitters, no conflicts (2 of 4 stars). 3 submissions from 3 submitters: Benign (1); Likely benign (1). 1 of the submissions does not count toward it. Last evaluated 2026-04-01.

Conditions:
Epileptic encephalopathy. Identifiers: MedGen C0543888, HP:0200134.
RYR3-related disorder. Also called: RYR3-related condition.

Allele frequency attached by ClinVar (database versions not stated): gnomAD 0.00150 and 0.00155; TOPMed 0.00172; 1000 Genomes Project 0.00180; 1000 Genomes Project 30x 0.00187; ESP Exome Variant Server 0.00189; ExAC 0.00210; gnomAD exomes 0.00226 and 0.00303.
gnomAD v4.1: 4,665 of 1,613,910 alleles (0.29%); highest among the groups gnomAD compares: South Asian, 0.61%; 21 homozygotes.

Submissions (3):

CeGaT Center for Human Genetics Tuebingen
Classification: Likely benign. Last evaluated: 2026-04-01. Review status: criteria provided, single submitter. Criteria: CeGaT Center For Human Genetics Tuebingen Variant Classification Criteria Version 2. Collection method: clinical testing. Allele origin: germline. Affected: yes. Observed: 4 variant alleles.
Comment: RYR3: BS2

Labcorp Genetics (formerly Invitae), Labcorp
Classification: Benign for Epileptic encephalopathy. Last evaluated: 2025-11-14. Review status: criteria provided, single submitter. Criteria: Invitae Variant Classification Sherloc (09022015). Collection method: clinical testing. Allele origin: germline.

PreventionGenetics, part of Exact Sciences
Classification: Likely benign for RYR3-related condition. Last evaluated: 2019-07-01. Review status: no assertion criteria provided. Collection method: clinical testing. Allele origin: germline. Not counted in ClinVar's aggregate classification.
Comment: This variant is classified as likely benign based on ACMG/AMP sequence variant interpretation guidelines (Richards et al. 2015 PMID: 25741868, with internal and published modifications).